The following is an entry in ClinVar:

ClinVar aggregate classification (germline): Pathogenic/Likely pathogenic. Review status: criteria provided, multiple submitters, no conflicts (2 of 4 stars). 5 submissions from 5 submitters: Pathogenic (4); Likely pathogenic (1). Last evaluated 2026-02-03.

Conditions:
Cerebrooculofacioskeletal syndrome 2 (COFS2). Identifiers: MedGen C1853102, MONDO:0012553, OMIM 610756.
Xeroderma pigmentosum, group D (XPD). Also called: ERCC2-Related Xeroderma Pigmentosum; XERODERMA PIGMENTOSUM IV; XP, GROUP D; XP, GROUP H; XERODERMA PIGMENTOSUM, COMPLEMENTATION GROUP D. Identifiers: MedGen C0268138, MONDO:0010212, OMIM 278730.
Trichothiodystrophy 1, photosensitive (TTD1). Also called: TAY SYNDROME; TRICHOTHIODYSTROPHY WITH CONGENITAL ICHTHYOSIS; PIBIDS SYNDROME. Identifiers: Orphanet 33364, MedGen C1866504, MONDO:0011125, OMIM 601675.
ERCC2-related disorder. Also called: ERCC2-related disorders; ERCC2-related conditions; ERCC2-related condition. Identifiers: MedGen CN239291.

Allele frequency attached by ClinVar (database versions not stated): TOPMed below 0.00001; gnomAD 0.00001; gnomAD exomes 0.00001.
gnomAD v4.1: 10 of 1,614,022 alleles (0.00062%); highest among the groups gnomAD compares: East Asian, 0.0045%; no homozygotes.

Submissions (5):

Myriad Genetics, Inc.
Classification: Likely pathogenic for ERCC2-related disorder. Last evaluated: 2026-02-03. Review status: criteria provided, single submitter. Criteria: Myriad Autosomal Dominant, Autosomal Recessive and X-Linked Classification Criteria (2023). Collection method: clinical testing. Allele origin: unknown.
Comment: NM_000400.3(ERCC2):c.139G>A(G47R) is a missense variant classified as likely pathogenic in the context of ERCC2-related disorders. G47R has been observed in cases with relevant disease (PMID: 9238033, 25716912, 33369099, 27396511, 27982466). Relevant functional assessments of this variant are available in the literature (PMID: 25716912). G47R has not been observed in referenced population frequency databases. In summary, NM_000400.3(ERCC2):c.139G>A(G47R) is a missense variant that has been observed more frequently in cases with the relevant disease than in healthy populations. Please note: this variant was assessed in the context of healthy population screening.

Blueprint Genetics
Classification: Pathogenic for ERCC2-related disorders. Last evaluated: 2024-05-23. Review status: criteria provided, single submitter. Criteria: ACMG Guidelines, 2015. Collection method: clinical testing. Allele origin: germline. Affected: yes. Observed: 2 variant alleles.

Fulgent Genetics
Classification: Pathogenic for Xeroderma pigmentosum, group D; Trichothiodystrophy 1, photosensitive; Cerebrooculofacioskeletal syndrome 2. Last evaluated: 2024-02-17. Review status: criteria provided, single submitter. Criteria: ACMG Guidelines, 2015. Collection method: clinical testing. Allele origin: germline.

Molecular Genetics, Royal Melbourne Hospital
Classification: Pathogenic for Xeroderma pigmentosum, group D. Last evaluated: 2023-03-30. Review status: criteria provided, single submitter. Criteria: ACMG Guidelines, 2015. Collection method: clinical testing. Allele origin: germline. Affected: yes.
Comment: This sequence change in ERCC2 is predicted to replace glycine with arginine at codon 47, p.(Gly47Arg). The glycine residue is highly conserved (100 vertebrates, UCSC), and is a critical residue in the helicase motif located in the helicase ATP-binding domain (PMID: 9238033, 18510924). There is a large physicochemical difference between glycine and arginine. This variant is present in a single individual from the European (non-Finnish) population in the population database gnomAD v3.1 (1/68,026 alleles). This variant has been detected in at least six individuals with xeroderma pigmentosum (XP), XP-Cockayne syndrome complex, Cockayne syndrome or cerebrooculofacioskeletal syndrome. Of those individuals, one individual was homozygous and one was compound heterozygous for the variant and a pathogenic variant that was confirmed in trans (PMID: 15982307, 25716912, 27396511, 27982466, 33369099). The XP-D complementation group was also identified in XP complementation analysis of at least one of these individual's cells, which is highly specific for ERCC2-related XP. In vitro functional assays of the variant demonstrated defective repair activity, and a Drosophila model demonstrated UV hypersensitivity (PMID: 12820975, 25431422, 25716912). Multiple lines of computational evidence predict a deleterious effect for the missense substitution (6/6 algorithms). Based on the classification scheme RMH Modified ACMG Guidelines v1.5.1, this variant is classified as PATHOGENIC. Following criteria are met: PM3_Strong, PS3_Moderate, PM1, PM2_Supporting, PP3, PP4.

CeGaT Center for Human Genetics Tuebingen
Classification: Pathogenic. Last evaluated: 2021-04-01. Review status: criteria provided, single submitter. Criteria: CeGaT Center For Human Genetics Tuebingen Variant Classification Criteria Version 2. Collection method: clinical testing. Allele origin: germline. Affected: yes. Observed: 1 variant allele.

Literature cited by the submitters: PubMed 25716912 (cited by Myriad Genetics, Inc. and Molecular Genetics, Royal Melbourne Hospital); PubMed 27396511 (cited by Myriad Genetics, Inc. and Molecular Genetics, Royal Melbourne Hospital); PubMed 27982466 (cited by Myriad Genetics, Inc. and Molecular Genetics, Royal Melbourne Hospital); PubMed 33369099 (cited by Myriad Genetics, Inc. and Molecular Genetics, Royal Melbourne Hospital); PubMed 9238033 (cited by Myriad Genetics, Inc. and Molecular Genetics, Royal Melbourne Hospital); PubMed 12820975 (cited by Molecular Genetics, Royal Melbourne Hospital); PubMed 15982307 (cited by Molecular Genetics, Royal Melbourne Hospital); PubMed 18510924 (cited by Molecular Genetics, Royal Melbourne Hospital); PubMed 25431422 (cited by Molecular Genetics, Royal Melbourne Hospital).

NM_000400.4(ERCC2):c.139G>A (p.Gly47Arg)

Gene: ERCC2 (ERCC excision repair 2, TFIIH core complex helicase subunit; minus strand). Cytogenetic location: 19q13.32.
Variant type: single nucleotide variant.
Coding change: c.139G>A on transcript NM_000400.4 (MANE Select); coding-DNA position 139, G replaced by A.
Protein change: p.Gly47Arg; replaces glycine 47 with arginine.
Molecular consequence: missense variant.
Genome position (GRCh38, 1-based): chr19:45,369,114, C>T on the plus strand (G>A on the coding strand, the complement: ERCC2 is on the minus strand). VCF-style: chr19-45369114-C-T. GRCh37 (hg19) VCF-style: chr19-45872372-C-T.
Other names: c.67G>A, p.Gly23Arg (NM_001130867.2); short protein forms G23R, G47R.
Identifiers: ClinVar variation 1176084 (VCV001176084.38), dbSNP rs1360631927, ClinGen allele CA406379545.
Genomic context (GRCh38, chr19:45,369,114, plus strand): 5'-TCAGCGCATCACTCACTCTCTGGTATGCCATGATCAGGGCCAACAGGGATACTGTCTTCC[C>T]GGTGCCTGAGGGCATCTCCAGGACTCCATGACCCTGCATGTTGGGGACCAGAGGGGCAAC-3'
Protein context (NP_000391.1, residues 37-57): HGVLEMPSGT[Gly47Arg]KTVSLLALIM